The following is an entry in ClinVar:

NM_001387690.1(KATNAL2):c.52-17520C>T

Gene: KATNAL2 (katanin catalytic subunit A1 like 2; plus strand). Cytogenetic location: 18q21.1.
Variant type: single nucleotide variant.
Coding change: c.52-17520C>T on transcript NM_001387690.1 (MANE Select); 17520 bases into the intron before coding-DNA position 52, C replaced by T.
Molecular consequence: intron variant.
Genome position (GRCh38, 1-based): chr18:47,028,937, C>T. VCF-style: chr18-47028937-C-T. GRCh37 (hg19) VCF-style: chr18-44555308-C-T.
Other names: c.-1-29298C>T (NM_001353904.1, NM_001353903.1, NM_001353907.1 and 3 more transcripts); c.130-17520C>T (NM_001353899.1, NM_001353900.1, NM_001353902.1); c.52-17520C>T (NM_001353901.1, NM_001367621.1); c.-294-17520C>T (NM_001353905.1); c.-94-23943C>T (NM_031303.3).
Identifiers: ClinVar variation 4083858 (VCV004083858.8).

ClinVar aggregate classification (germline): Likely benign (1 of 4 stars; one submission).

Submission:

CeGaT Center for Human Genetics Tuebingen
Classification: Likely benign. Last evaluated: 2025-07-01. Review status: criteria provided, single submitter. Criteria: CeGaT Center For Human Genetics Tuebingen Variant Classification Criteria Version 2. Collection method: clinical testing. Allele origin: germline. Affected: yes. Observed: 1 variant allele.
Comment: ELOA3P: BP4, BP7